The following is an entry in ClinVar:

NM_005557.4(KRT16):c.380G>A (p.Arg127His)

Gene: KRT16 (keratin 16; minus strand). Cytogenetic location: 17q21.2.
Variant type: single nucleotide variant.
Coding change: c.380G>A on transcript NM_005557.4 (MANE Select); coding-DNA position 380, G replaced by A.
Protein change: p.Arg127His; replaces arginine 127 with histidine.
Molecular consequence: missense variant.
Genome position (GRCh38, 1-based): chr17:41,612,309, C>T on the plus strand (G>A on the coding strand, the complement: KRT16 is on the minus strand). VCF-style: chr17-41612309-C-T. GRCh37 (hg19) VCF-style: chr17-39768561-C-T.
Other names: short protein forms R127H.
Identifiers: ClinVar variation 3722722 (VCV003722722.2).

ClinVar aggregate classification (germline): Pathogenic (1 of 4 stars; one submission).

gnomAD v4.1: 12 of 1,614,040 alleles (0.00074%); highest among the groups gnomAD compares: African/African-American, 0.0013%; no homozygotes.

Submission:

Labcorp Genetics (formerly Invitae), Labcorp
Classification: Pathogenic. Last evaluated: 2024-05-04. Review status: criteria provided, single submitter. Criteria: Invitae Variant Classification Sherloc (09022015). Collection method: clinical testing. Allele origin: germline.
Comment: This sequence change replaces arginine, which is basic and polar, with histidine, which is basic and polar, at codon 127 of the KRT16 protein (p.Arg127His). This variant is present in population databases (rs57424749, gnomAD 0.02%). This missense change has been observed in individual(s) with pachyonychia congenita (PMID: 24611874, 31823354, 36179229). It has also been observed to segregate with disease in related individuals. Algorithms developed to predict the effect of missense changes on protein structure and function output the following: SIFT: "Not Available"; PolyPhen-2: "Probably Damaging"; Align-GVGD: "Not Available". The histidine amino acid residue is found in multiple mammalian species, which suggests that this missense change does not adversely affect protein function. This variant disrupts the p.Arg127 amino acid residue in KRT16. Other variant(s) that disrupt this residue have been determined to be pathogenic (PMID: 8595410, 31823354). This suggests that this residue is clinically significant, and that variants that disrupt this residue are likely to be disease-causing. For these reasons, this variant has been classified as Pathogenic.

Literature cited by the submitters: PubMed 24611874; PubMed 31823354; PubMed 36179229; PubMed 8595410.